The following is an entry in ClinVar:

NM_000053.4(ATP7B):c.1965G>T (p.Leu655=)

Gene: ATP7B (ATPase copper transporting beta; minus strand). Cytogenetic location: 13q14.3.
Variant type: single nucleotide variant.
Coding change: c.1965G>T on transcript NM_000053.4 (MANE Select); coding-DNA position 1965, G replaced by T.
Protein change: p.Leu655=; no amino-acid change (leucine 655 retained).
Molecular consequence: synonymous variant. On other transcripts: intron variant (2).
Genome position (GRCh38, 1-based): chr13:51,960,304, C>A on the plus strand (G>T on the coding strand, the complement: ATP7B is on the minus strand). VCF-style: chr13-51960304-C-A. GRCh37 (hg19) VCF-style: chr13-52534440-C-A.
Other names: c.1632G>T, p.Leu544= (NM_001243182.2); c.1965G>T, p.Leu655= (NM_001330578.2); c.1870-2697G>T (NM_001005918.3); c.1870-1760G>T (NM_001330579.2).
Identifiers: ClinVar variation 633066 (VCV000633066.7), dbSNP rs574041847, ClinGen allele CA6989145.
Genomic context (GRCh38, chr13:51,960,304, plus strand): 5'-GCTGGGTATCAGCATATAGATCATTAAGGCCATGACAGGGATGCCAAACACCAGGCTGCA[C>A]AGGAAAGACTTCTTCCACCTGGAAAGCAAATGCAGCAACACAGATATATCAGATGCTGCT-3'
Protein context (NP_000044.2, residues 645-665): MEIKQWKKSF[Leu655=]CSLVFGIPVM

ClinVar aggregate classification (germline): Conflicting classifications of pathogenicity. Review status: criteria provided, conflicting classifications (1 of 4 stars). 3 submissions from 3 submitters: Uncertain significance (1); Likely benign (2). Last evaluated 2024-07-10.

Conditions:
Wilson disease (WND). Also called: Wilson's disease. Identifiers: Orphanet 905, MedGen C0019202, MONDO:0010200, OMIM 277900. Disease mechanism: loss of function.

Allele frequency attached by ClinVar (database versions not stated): TOPMed 0.00002.
gnomAD v4.1: 18 of 1,613,450 alleles (0.0011%); highest among the groups gnomAD compares: Non-Finnish European, 0.0014%; no homozygotes.

Submissions (3):

All of Us Research Program, National Institutes of Health
Classification: Likely benign for Wilson disease. Last evaluated: 2024-07-10. Review status: criteria provided, single submitter. Criteria: ACMG Guidelines, 2015. Collection method: clinical testing. Allele origin: germline. Inheritance: Autosomal recessive inheritance. Observed: 1 variant allele, 1 heterozygote.
Comment: This study involves interpretation of variants in research participants for the purpose of population health screening. Participant phenotype was not available at the time of variant classification. Additional details can be found in publication PMID: 35346344, PMCID: PMC8962531

Labcorp Genetics (formerly Invitae), Labcorp
Classification: Uncertain significance for Wilson disease. Last evaluated: 2022-08-16. Review status: criteria provided, single submitter. Criteria: Invitae Variant Classification Sherloc (09022015). Collection method: clinical testing. Allele origin: germline.
Comment: This sequence change affects codon 655 of the ATP7B mRNA. It is a 'silent' change, meaning that it does not change the encoded amino acid sequence of the ATP7B protein. This variant is present in population databases (rs574041847, gnomAD 0.002%). This variant has been observed in individual(s) with clinical features of Wilson disease (Invitae). ClinVar contains an entry for this variant (Variation ID: 633066). Algorithms developed to predict the effect of sequence changes on RNA splicing suggest that this variant is not likely to affect RNA splicing. In summary, the available evidence is currently insufficient to determine the role of this variant in disease. Therefore, it has been classified as a Variant of Uncertain Significance.

Women's Health and Genetics/Laboratory Corporation of America, LabCorp
Classification: Likely benign. Last evaluated: 2019-08-21. Review status: criteria provided, single submitter. Criteria: LabCorp Variant Classification Summary - May 2015. Collection method: clinical testing. Allele origin: germline.